The following is an entry in ClinVar:

ClinVar aggregate classification (germline): Uncertain significance (1 of 4 stars; one submission).

Conditions:
Primary ciliary dyskinesia. Also called: Ciliary dyskinesia. Identifiers: Orphanet 244, MedGen C0008780, MONDO:0016575, HP:0012265.

gnomAD v4.1: 10 of 1,550,430 alleles (0.00064%); highest among the groups gnomAD compares: Admixed American, 0.0059%; no homozygotes.

Submission:

Labcorp Genetics (formerly Invitae), Labcorp
Classification: Uncertain significance for Primary ciliary dyskinesia. Last evaluated: 2024-05-06. Review status: criteria provided, single submitter. Criteria: Invitae Variant Classification Sherloc (09022015). Collection method: clinical testing. Allele origin: germline.
Comment: This sequence change replaces valine, which is neutral and non-polar, with leucine, which is neutral and non-polar, at codon 2485 of the DNAH5 protein (p.Val2485Leu). This variant is present in population databases (no rsID available, gnomAD 0.004%). This variant has not been reported in the literature in individuals affected with DNAH5-related conditions. Advanced modeling of protein sequence and biophysical properties (such as structural, functional, and spatial information, amino acid conservation, physicochemical variation, residue mobility, and thermodynamic stability) performed at Invitae indicates that this missense variant is not expected to disrupt DNAH5 protein function with a negative predictive value of 95%. In summary, the available evidence is currently insufficient to determine the role of this variant in disease. Therefore, it has been classified as a Variant of Uncertain Significance.

NM_001369.3(DNAH5):c.7453G>C (p.Val2485Leu)

Gene: DNAH5 (dynein axonemal heavy chain 5; minus strand). Cytogenetic location: 5p15.2.
Variant type: single nucleotide variant.
Coding change: c.7453G>C on transcript NM_001369.3 (MANE Select); coding-DNA position 7453, G replaced by C.
Protein change: p.Val2485Leu; replaces valine 2485 with leucine.
Molecular consequence: missense variant.
Genome position (GRCh38, 1-based): chr5:13,810,215, C>G on the plus strand (G>C on the coding strand, the complement: DNAH5 is on the minus strand). VCF-style: chr5-13810215-C-G. GRCh37 (hg19) VCF-style: chr5-13810324-C-G.
Other names: short protein forms V2485L.
Identifiers: ClinVar variation 3704472 (VCV003704472.1).